The following is an entry in ClinVar:

ClinVar aggregate classification (germline): Uncertain significance (1 of 4 stars; one submission).

Allele frequency attached by ClinVar (database versions not stated): TOPMed below 0.00001.

Submission:

Women's Health and Genetics/Laboratory Corporation of America, LabCorp
Classification: Uncertain significance. Last evaluated: 2023-12-01. Review status: criteria provided, single submitter. Criteria: LabCorp Variant Classification Summary - May 2015. Collection method: clinical testing. Allele origin: germline.
Comment: Variant summary: GP1BA c.1432T>G (p.Phe478Val) results in a non-conservative amino acid change in the encoded protein sequence. Three of four in-silico tools predict a benign effect of the variant on protein function. The variant allele was found at a frequency of 4e-06 in 247090 control chromosomes. The available data on variant occurrences in the general population are insufficient to allow any conclusion about variant significance. To our knowledge, no occurrence of c.1432T>G in individuals affected with Bernard-Soulier Syndrome, Type A2, Autosomal Dominant and no experimental evidence demonstrating its impact on protein function have been reported. No submitters have cited clinical-significance assessments for this variant to ClinVar after 2014. Based on the evidence outlined above, the variant was classified as uncertain significance.

NM_000173.7(GP1BA):c.1432T>G (p.Phe478Val)

Gene: GP1BA (glycoprotein Ib platelet subunit alpha; plus strand). Cytogenetic location: 17p13.2.
Variant type: single nucleotide variant.
Coding change: c.1432T>G on transcript NM_000173.7 (MANE Select); coding-DNA position 1432, T replaced by G.
Protein change: p.Phe478Val; replaces phenylalanine 478 with valine.
Molecular consequence: missense variant.
Genome position (GRCh38, 1-based): chr17:4,934,036, T>G. VCF-style: chr17-4934036-T-G. GRCh37 (hg19) VCF-style: chr17-4837331-T-G.
Other names: short protein forms F478V.
Identifiers: ClinVar variation 2691663 (VCV002691663.1), dbSNP rs1360986514, ClinGen allele CA397321868.
Genomic context (GRCh38, chr17:4,934,036, plus strand): 5'-ATCGCCACAAGCCCGACCATCCTGGTGTCTGCCACAAGCCTGATCACTCCAAAAAGCACA[T>G]TTTTAACTACCACAAAACCCGTATCACTCTTAGAATCCACCAAAAAAACCATCCCTGAAC-3'
Protein context (NP_000164.5, residues 468-488): ATSLITPKST[Phe478Val]LTTTKPVSLL